The following is an entry in ClinVar:

ClinVar aggregate classification (germline): Uncertain significance (1 of 4 stars; one submission).

Submission:

Labcorp Genetics (formerly Invitae), Labcorp
Classification: Uncertain significance. Last evaluated: 2024-09-16. Review status: criteria provided, single submitter. Criteria: Invitae Variant Classification Sherloc (09022015). Collection method: clinical testing. Allele origin: germline.
Comment: This sequence change replaces methionine, which is neutral and non-polar, with lysine, which is basic and polar, at codon 10 of the NRL protein (p.Met10Lys). This variant is not present in population databases (gnomAD no frequency). This variant has not been reported in the literature in individuals affected with NRL-related conditions. An algorithm developed to predict the effect of missense changes on protein structure and function (PolyPhen-2) suggests that this variant is likely to be disruptive. In summary, the available evidence is currently insufficient to determine the role of this variant in disease. Therefore, it has been classified as a Variant of Uncertain Significance.

NM_001354768.3(NRL):c.29T>A (p.Met10Lys)

Gene: NRL (neural retina leucine zipper; minus strand). Cytogenetic location: 14q11.2.
Variant type: single nucleotide variant.
Coding change: c.29T>A on transcript NM_001354768.3 (MANE Select); coding-DNA position 29, T replaced by A.
Protein change: p.Met10Lys; replaces methionine 10 with lysine.
Molecular consequence: missense variant.
Genome position (GRCh38, 1-based): chr14:24,082,820, A>T on the plus strand (T>A on the coding strand, the complement: NRL is on the minus strand). VCF-style: chr14-24082820-A-T. GRCh37 (hg19) VCF-style: chr14-24552029-A-T.
Other names: c.29T>A, p.Met10Lys (NM_001354769.1, NM_001354770.2, NM_006177.5); short protein forms M10K.
Identifiers: ClinVar variation 3630526 (VCV003630526.2).